The following is an entry in ClinVar:

ClinVar aggregate classification (germline): Benign/Likely benign. Review status: criteria provided, multiple submitters, no conflicts (2 of 4 stars). 3 submissions from 3 submitters: Benign (1); Likely benign (1). 1 of the submissions does not count toward it. Last evaluated 2024-10-09.

Conditions:
NUP214-related disorder. Also called: NUP214-related disorders; NUP214-related condition.

Allele frequency attached by ClinVar (database versions not stated): ExAC 0.00083; 1000 Genomes Project 30x 0.00172; 1000 Genomes Project 0.00180; gnomAD 0.00272 and 0.00287; gnomAD exomes 0.00024 and 0.00069; ESP Exome Variant Server 0.00315; TOPMed 0.00318.
gnomAD v4.1: 775 of 1,614,084 alleles (0.048%); highest among the groups gnomAD compares: African/African-American, 0.94%; 6 homozygotes.

Submissions (3):

Blueprint Genetics
Classification: Likely benign. Last evaluated: 2024-10-09. Review status: criteria provided, single submitter. Criteria: ACMG Guidelines, 2015. Collection method: clinical testing. Allele origin: germline.

Labcorp Genetics (formerly Invitae), Labcorp
Classification: Benign. Last evaluated: 2017-05-08. Review status: criteria provided, single submitter. Criteria: Invitae Variant Classification Sherloc (09022015). Collection method: clinical testing. Allele origin: germline.

PreventionGenetics, part of Exact Sciences
Classification: Likely benign for NUP214-related condition. Last evaluated: 2020-10-06. Review status: no assertion criteria provided. Collection method: clinical testing. Allele origin: germline. Not counted in ClinVar's aggregate classification.
Comment: This variant is classified as likely benign based on ACMG/AMP sequence variant interpretation guidelines (Richards et al. 2015 PMID: 25741868, with internal and published modifications).

NM_005085.4(NUP214):c.3919T>A (p.Ser1307Thr)

Gene: NUP214 (nucleoporin 214; plus strand). Cytogenetic location: 9q34.13.
Variant type: single nucleotide variant.
Coding change: c.3919T>A on transcript NM_005085.4 (MANE Select); coding-DNA position 3919, T replaced by A.
Protein change: p.Ser1307Thr; replaces serine 1307 with threonine.
Molecular consequence: missense variant.
Genome position (GRCh38, 1-based): chr9:131,197,413, T>A. VCF-style: chr9-131197413-T-A. GRCh37 (hg19) VCF-style: chr9-134072800-T-A.
Other names: c.3889T>A, p.Ser1297Thr (NM_001318324.2); c.397T>A, p.Ser133Thr (NM_001318325.2); short protein forms S1297T, S1307T, S133T.
Identifiers: ClinVar variation 768331 (VCV000768331.6), dbSNP rs148287685, ClinGen allele CA5289841.